The following is an entry in ClinVar:

NM_003001.3(SDHC):c.*2052C>G

Gene: SDHC (succinate dehydrogenase complex subunit C; plus strand). Cytogenetic location: 1q23.3.
Variant type: single nucleotide variant.
Coding change: c.*2052C>G on transcript NM_003001.3; 2052 bases downstream of the stop codon, C replaced by G.
Genome position (GRCh38, 1-based): chr1:161,364,485, C>G. VCF-style: chr1-161364485-C-G. GRCh37 (hg19) VCF-style: chr1-161334275-C-G.
Identifiers: ClinVar variation 293363 (VCV000293363.7), dbSNP rs12239492, ClinGen allele CA10608557.

ClinVar aggregate classification (germline): Benign (1 of 4 stars; one submission).

Conditions:
Hereditary pheochromocytoma and paraganglioma. Also called: Hereditary Paraganglioma-Pheochromocytoma Syndromes; Hereditary paragangliomas and pheochromocytomas; Hereditary pheochromocytoma-paraganglioma. Identifiers: Orphanet 29072, MedGen C4274332, MONDO:0017366.

Allele frequency attached by ClinVar (database versions not stated): gnomAD exomes 0.09957; 1000 Genomes Project 0.16913; gnomAD 0.11550 and 0.11792; TOPMed 0.11471; 1000 Genomes Project 30x 0.16974.

Submission:

Illumina Laboratory Services, Illumina
Classification: Benign for Hereditary Paraganglioma-Pheochromocytoma Syndromes. Last evaluated: 2018-01-13. Review status: criteria provided, single submitter. Criteria: ICSL Variant Classification Criteria 13 December 2019. Collection method: clinical testing. Allele origin: germline.
Comment: This variant was observed in the ICSL laboratory as part of a predisposition screen in an ostensibly healthy population. It had not been previously curated by ICSL or reported in the Human Gene Mutation Database (HGMD: prior to June 1st, 2018), and was therefore a candidate for classification through an automated scoring system. Utilizing variant allele frequency, disease prevalence and penetrance estimates, and inheritance mode, an automated score was calculated to assess if this variant is too frequent to cause the disease. Based on the score and internal cut-off values, a variant classified as benign is not then subjected to further curation. The score for this variant resulted in a classification of benign for this disease.